The following is an entry in ClinVar:

NM_004655.4(AXIN2):c.1228A>G (p.Thr410Ala)

Gene: AXIN2 (axin 2; minus strand). Cytogenetic location: 17q24.1.
Variant type: single nucleotide variant.
Coding change: c.1228A>G on transcript NM_004655.4 (MANE Select); coding-DNA position 1228, A replaced by G.
Protein change: p.Thr410Ala; replaces threonine 410 with alanine.
Molecular consequence: missense variant.
Genome position (GRCh38, 1-based): chr17:65,537,808, T>C on the plus strand (A>G on the coding strand, the complement: AXIN2 is on the minus strand). VCF-style: chr17-65537808-T-C. GRCh37 (hg19) VCF-style: chr17-63533926-T-C.
Other names: c.1228A>G, p.Thr410Ala (NM_001363813.1); short protein forms T410A.
Identifiers: ClinVar variation 1715187 (VCV001715187.10), dbSNP rs1265240757, ClinGen allele CA400677919.

ClinVar aggregate classification (germline): Conflicting classifications of pathogenicity. Review status: criteria provided, conflicting classifications (1 of 4 stars). 3 submissions from 3 submitters: Uncertain significance (2); Likely benign (1). Last evaluated 2025-03-04.

Conditions:
Hereditary cancer-predisposing syndrome. Also called: Neoplastic Syndromes, Hereditary; Tumor predisposition; Hereditary Cancer Syndrome; Hereditary neoplastic syndrome. Identifiers: Orphanet 140162, MedGen C0027672, MeSH D009386, MONDO:0015356.
Oligodontia-cancer predisposition syndrome. Also called: TOOTH AGENESIS-COLORECTAL CANCER SYNDROME. Identifiers: Orphanet 300576, MedGen C1837750, MONDO:0012075, OMIM 608615. Disease mechanism: loss of function.

Allele frequency attached by ClinVar (database versions not stated): TOPMed below 0.00001; gnomAD 0.00001.
gnomAD v4.1: 1 of 1,581,284 alleles (0.000063%); highest among the groups gnomAD compares: Non-Finnish European, 0.000086%; no homozygotes.

Submissions (3):

Center for Genomic Medicine, Rigshospitalet, Copenhagen University Hospital
Classification: Uncertain significance. Last evaluated: 2025-03-04. Review status: criteria provided, single submitter. Criteria: ACMG Guidelines, 2015. Collection method: clinical testing. Allele origin: germline.

Labcorp Genetics (formerly Invitae), Labcorp
Classification: Uncertain significance for Oligodontia-cancer predisposition syndrome. Last evaluated: 2025-01-06. Review status: criteria provided, single submitter. Criteria: Invitae Variant Classification Sherloc (09022015). Collection method: clinical testing. Allele origin: germline.
Comment: This sequence change replaces threonine, which is neutral and polar, with alanine, which is neutral and non-polar, at codon 410 of the AXIN2 protein (p.Thr410Ala). This variant is not present in population databases (gnomAD no frequency). This variant has not been reported in the literature in individuals affected with AXIN2-related conditions. ClinVar contains an entry for this variant (Variation ID: 1715187). An algorithm developed to predict the effect of missense changes on protein structure and function outputs the following: PolyPhen-2: "Benign". The alanine amino acid residue is found in multiple mammalian species, which suggests that this missense change does not adversely affect protein function. In summary, the available evidence is currently insufficient to determine the role of this variant in disease. Therefore, it has been classified as a Variant of Uncertain Significance.

Ambry Genetics
Classification: Likely benign for Hereditary cancer-predisposing syndrome. Last evaluated: 2022-07-29. Review status: criteria provided, single submitter. Criteria: Ambry Variant Classification Scheme 2023. Collection method: clinical testing. Allele origin: germline.